The following is an entry in ClinVar:

NM_000535.7(PMS2):c.1046del (p.Lys349fs)

Gene: PMS2 (PMS1 homolog 2, mismatch repair system component; minus strand). Cytogenetic location: 7p22.1.
Variant type: Deletion.
Coding change: c.1046del on transcript NM_000535.7 (MANE Select); coding-DNA position 1046, one base deleted (A; older notation c.1046delA).
Protein change: p.Lys349fs; shifts the reading frame from lysine 349.
Molecular consequence: frameshift variant. On other transcripts: non-coding transcript variant (1), intron variant (2).
Genome position (GRCh38, 1-based): chr7:5,989,898, T deleted on the plus strand (A on the coding strand, the reverse complement: PMS2 is on the minus strand); the first of 4 consecutive T bases (chr7:5,989,898-5,989,901); deleting any one gives the same sequence. VCF-style (leftmost placement, unchanged base first): chr7-5989897-CT-C. GRCh37 (hg19) VCF-style: chr7-6029528-CT-C.
Other names: c.638delA, p.Lys214Serfs (NM_001018040.1, NM_001406887.1, NM_001406888.1 and 13 more transcripts); c.641del, p.Lys214fs (NM_001322003.2, NM_001322004.2, NM_001322005.2 and 1 more transcripts); c.728del, p.Lys243fs (NM_001322007.2, NM_001322008.2); c.113del, p.Lys38fs (NM_001322011.2, NM_001322012.2); c.473del, p.Lys158fs (NM_001322013.2); c.1046del, p.Lys349fs (NM_001322014.2); c.737del, p.Lys246fs (NM_001322015.2); c.1229delA, p.Lys411Serfs (NM_001406866.1); and 15 more; short protein forms K158fs, K214fs, K349fs, K246fs, K38fs, K243fs.
Identifiers: ClinVar variation 1775519 (VCV001775519.2), dbSNP rs2535933581, ClinGen allele CA2580076746.
Genomic context (GRCh38, chr7:5,989,897, plus strand): 5'-CTTGTTGACATCACTATCAAACATTCCTATCAAAGAGGTCTTTAAAACTGCCAACAAAAG[CT>C]TTTCCTCTTGTAGCAAAATTTGCCTTTTATCTGGAGTAACATTGATATCAACGCATTCTA-3'

ClinVar aggregate classification (germline): Pathogenic (1 of 4 stars; one submission).

Conditions:
Hereditary cancer-predisposing syndrome. Also called: Neoplastic Syndromes, Hereditary; Tumor predisposition; Hereditary Cancer Syndrome; Hereditary neoplastic syndrome. Identifiers: Orphanet 140162, MedGen C0027672, MeSH D009386, MONDO:0015356.

Submission:

Ambry Genetics
Classification: Pathogenic for Hereditary cancer-predisposing syndrome. Last evaluated: 2021-08-24. Review status: criteria provided, single submitter. Criteria: Ambry Variant Classification Scheme 2023. Collection method: clinical testing. Allele origin: germline.
Comment: The c.1046delA pathogenic mutation, located in coding exon 10 of the PMS2 gene, results from a deletion of one nucleotide at nucleotide position 1046, causing a translational frameshift with a predicted alternate stop codon (p.K349Sfs*7). This alteration is expected to result in loss of function by premature protein truncation or nonsense-mediated mRNA decay. As such, this alteration is interpreted as a disease-causing mutation.